The following is an entry in ClinVar:

ClinVar aggregate classification (germline): Pathogenic. Review status: criteria provided, multiple submitters, no conflicts (2 of 4 stars). 2 submissions from 2 submitters: Pathogenic (2). Last evaluated 2023-09-11.

Conditions:
Hereditary cancer-predisposing syndrome. Also called: Neoplastic Syndromes, Hereditary; Tumor predisposition; Hereditary Cancer Syndrome; Hereditary neoplastic syndrome. Identifiers: Orphanet 140162, MedGen C0027672, MeSH D009386, MONDO:0015356.
Familial cancer of breast. Also called: BREAST CANCER, FAMILIAL; Hereditary breast cancer; hereditary breast carcinoma. Identifiers: Orphanet 227535, MedGen C0346153, MONDO:0016419, OMIM 114480. Disease mechanism: loss of function.

Submissions (2):

Myriad Genetics, Inc.
Classification: Pathogenic for Familial cancer of breast. Last evaluated: 2023-09-11. Review status: criteria provided, single submitter. Criteria: Myriad Autosomal Dominant, Autosomal Recessive and X-Linked Classification Criteria (2023). Collection method: clinical testing. Allele origin: unknown.
Comment: This variant is considered pathogenic. This variant creates a frameshift predicted to result in premature protein truncation.

Ambry Genetics
Classification: Pathogenic for Hereditary cancer-predisposing syndrome. Last evaluated: 2022-10-31. Review status: criteria provided, single submitter. Criteria: Ambry Variant Classification Scheme 2023. Collection method: clinical testing. Allele origin: germline.
Comment: The c.1644delA pathogenic mutation, located in coding exon 4 of the PALB2 gene, results from a deletion of one nucleotide at nucleotide position 1644, causing a translational frameshift with a predicted alternate stop codon (p.H549Tfs*12). This alteration is expected to result in loss of function by premature protein truncation or nonsense-mediated mRNA decay. As such, this alteration is interpreted as a disease-causing mutation.

NM_024675.4(PALB2):c.1644del (p.His549fs)

Gene: PALB2 (partner and localizer of BRCA2; minus strand). Cytogenetic location: 16p12.2.
Variant type: Deletion.
Coding change: c.1644del on transcript NM_024675.4 (MANE Select); coding-DNA position 1644, one base deleted (A; older notation c.1644delA).
Protein change: p.His549fs; shifts the reading frame from histidine 549.
Molecular consequence: frameshift variant.
Genome position (GRCh38, 1-based): chr16:23,634,902, T deleted on the plus strand (A on the coding strand, the reverse complement: PALB2 is on the minus strand). VCF-style (leftmost placement, unchanged base first): chr16-23634901-GT-G. GRCh37 (hg19) VCF-style: chr16-23646222-GT-G.
Other names: c.1584delA, p.His529Thrfs (NM_001407296.1); c.1644delA, p.His549Thrfs (NM_001407297.1, NM_001407298.1, NM_001407299.1 and 3 more transcripts); c.759delA, p.His254Thrfs (NM_001407304.1, NM_001407305.1, NM_001407306.1 and 5 more transcripts); short protein forms H549fs.
Identifiers: ClinVar variation 1777113 (VCV001777113.4), dbSNP rs2506470530, ClinGen allele CA2580091250.
Genomic context (GRCh38, chr16:23,634,901, plus strand): 5'-ATCAAACACATCTTGATTTACCTTTCACTTGAATAAATAATTTTTCGTGCTGATATTTGT[GT>G]GAGGTGACTTCTTCCTTGGACCTGTTAACAATCGACAGGCTAGAAGTTGGCAAAAGTGGT-3'